The following is an entry in ClinVar:

NM_001382567.1(STIM1):c.160C>A (p.Pro54Thr)

Gene: STIM1 (stromal interaction molecule 1; plus strand). Cytogenetic location: 11p15.4.
Variant type: single nucleotide variant.
Coding change: c.160C>A on transcript NM_001382567.1 (MANE Select); coding-DNA position 160, C replaced by A.
Protein change: p.Pro54Thr; replaces proline 54 with threonine.
Molecular consequence: missense variant. On other transcripts: 5 prime UTR variant (8), non-coding transcript variant (3), intron variant (4).
Genome position (GRCh38, 1-based): chr11:3,967,572, C>A. VCF-style: chr11-3967572-C-A. GRCh37 (hg19) VCF-style: chr11-3988802-C-A.
Other names: c.-63C>A (NM_001382566.1, NM_001382577.1, NM_001382578.1 and 5 more transcripts); c.160C>A, p.Pro54Thr (NM_001382568.1, NM_001382570.1, NM_001382572.1 and 3 more transcripts); c.-219-56301C>A (NM_001382580.1, NM_001382581.1); c.136-56301C>A (NM_001382569.1); c.-98-56301C>A (NM_001382571.1); short protein forms P54T.
Identifiers: ClinVar variation 2943919 (VCV002943919.3), dbSNP rs764752031, ClinGen allele CA5830150.

ClinVar aggregate classification (germline): Uncertain significance (1 of 4 stars; one submission).

Conditions:
Stormorken syndrome (STRMK). Also called: THROMBOCYTOPATHY, ASPLENIA, AND MIOSIS. Identifiers: Orphanet 3204, MedGen C1861451, MONDO:0008497, OMIM 185070.
Combined immunodeficiency due to STIM1 deficiency. Also called: IMMUNODEFICIENCY 10; STIM1 DEFICIENCY. Identifiers: Orphanet 169090, Orphanet 317430, MedGen C2748557, MONDO:0013008, OMIM 612783.
Myopathy with tubular aggregates (TAM). Also called: Tubular Aggregate Myopathy. Identifiers: Orphanet 2593, MedGen C0410207, MONDO:0008051.

Allele frequency attached by ClinVar (database versions not stated): ExAC 0.00001; gnomAD exomes 0.00001.
gnomAD v4.1: 3 of 1,614,130 alleles (0.00019%); highest among the groups gnomAD compares: South Asian, 0.0022%; no homozygotes.

Submission:

Labcorp Genetics (formerly Invitae), Labcorp
Classification: Uncertain significance for Myopathy with tubular aggregates; Combined immunodeficiency due to STIM1 deficiency; Stormorken syndrome. Last evaluated: 2023-02-14. Review status: criteria provided, single submitter. Criteria: Invitae Variant Classification Sherloc (09022015). Collection method: clinical testing. Allele origin: germline.
Comment: This sequence change replaces proline, which is neutral and non-polar, with threonine, which is neutral and polar, at codon 54 of the STIM1 protein (p.Pro54Thr). This variant is present in population databases (rs764752031, gnomAD 0.003%). This variant has not been reported in the literature in individuals affected with STIM1-related conditions. Advanced modeling of protein sequence and biophysical properties (such as structural, functional, and spatial information, amino acid conservation, physicochemical variation, residue mobility, and thermodynamic stability) performed at Invitae indicates that this missense variant is expected to disrupt STIM1 protein function. In summary, the available evidence is currently insufficient to determine the role of this variant in disease. Therefore, it has been classified as a Variant of Uncertain Significance.